The following is an entry in ClinVar:

ClinVar aggregate classification (germline): Uncertain significance (1 of 4 stars; one submission).

Submission:

Women's Health and Genetics/Laboratory Corporation of America, LabCorp
Classification: Uncertain significance. Last evaluated: 2026-04-14. Review status: criteria provided, single submitter. Criteria: LabCorp Variant Classification Summary - May 2015. Collection method: clinical testing. Allele origin: germline.
Comment: Variant summary: DMD c.2828G>C (p.Arg943Pro) results in a non-conservative amino acid change in the encoded protein sequence. Algorithms developed to predict the effect of missense changes on protein structure and function are either unavailable or do not agree on the potential impact of this missense change. The variant was absent in 182993 control chromosomes. The available data on variant occurrences in the general population are insufficient to allow any conclusion about variant significance. To our knowledge, no occurrence of c.2828G>C in individuals affected with DMD-related conditions and no experimental evidence demonstrating its impact on protein function have been reported. No submitters have cited clinical-significance assessments for this variant to ClinVar. Based on the evidence outlined above, the variant was classified as uncertain significance.

NM_004006.3(DMD):c.2828G>C (p.Arg943Pro)

Gene: DMD (dystrophin; minus strand). Cytogenetic location: Xp21.1.
Variant type: single nucleotide variant.
Coding change: c.2828G>C on transcript NM_004006.3 (MANE Select); coding-DNA position 2828, G replaced by C.
Protein change: p.Arg943Pro; replaces arginine 943 with proline.
Molecular consequence: missense variant.
Genome position (GRCh38, 1-based): chrX:32,472,285, C>G on the plus strand (G>C on the coding strand, the complement: DMD is on the minus strand). VCF-style: chrX-32472285-C-G. GRCh37 (hg19) VCF-style: chrX-32490402-C-G.
Other names: c.2804G>C, p.Arg935Pro (NM_000109.4); c.2816G>C, p.Arg939Pro (NM_004009.3); c.2459G>C, p.Arg820Pro (NM_004010.3); short protein forms R820P, R935P, R939P, R943P.
Identifiers: ClinVar variation 4848607 (VCV004848607.1).